The following is an entry in ClinVar:

ClinVar aggregate classification (germline): Uncertain significance (1 of 4 stars; one submission).

Allele frequency attached by ClinVar (database versions not stated): TOPMed below 0.00001.

Submission:

Labcorp Genetics (formerly Invitae), Labcorp
Classification: Uncertain significance. Last evaluated: 2022-08-09. Review status: criteria provided, single submitter. Criteria: Invitae Variant Classification Sherloc (09022015). Collection method: clinical testing. Allele origin: germline.
Comment: This variant has not been reported in the literature in individuals affected with UNC119-related conditions. In summary, the available evidence is currently insufficient to determine the role of this variant in disease. Therefore, it has been classified as a Variant of Uncertain Significance. ClinVar contains an entry for this variant (Variation ID: 1523250). The frequency data for this variant in the population databases is considered unreliable, as metrics indicate poor data quality at this position in the gnomAD database. This sequence change affects the initiator methionine of the UNC119 mRNA. The next in-frame methionine is located at codon 96.

NM_005148.4(UNC119):c.1A>G (p.Met1Val)

Genes: UNC119 (unc-119 lipid binding chaperone; minus strand), LOC130060555 (ATAC-STARR-seq lymphoblastoid silent region 8343; plus strand). Cytogenetic location: 17q11.2.
Variant type: single nucleotide variant.
Coding change: c.1A>G on transcript NM_005148.4 (MANE Select); coding-DNA position 1, A replaced by G.
Protein change: p.Met1Val; changes the start codon (methionine 1).
Molecular consequence: missense variant, initiator codon variant. On other transcripts: 5 prime UTR variant (1).
Genome position (GRCh38, 1-based): chr17:28,552,557, T>C on the plus strand (A>G on the coding strand, the complement: UNC119 is on the minus strand). VCF-style: chr17-28552557-T-C. GRCh37 (hg19) VCF-style: chr17-26879575-T-C.
Other names: c.-313A>G (NM_001330166.2); c.1A>G, p.Met1Val (NM_054035.2); short protein forms M1V.
Identifiers: ClinVar variation 1523250 (VCV001523250.6), dbSNP rs970160807, ClinGen allele CA289107401.